The following is an entry in ClinVar:

NM_004036.5(ADCY3):c.2275G>A (p.Val759Met)

Gene: ADCY3 (adenylate cyclase 3; minus strand). Cytogenetic location: 2p23.3.
Variant type: single nucleotide variant.
Coding change: c.2275G>A on transcript NM_004036.5 (MANE Select); coding-DNA position 2275, G replaced by A.
Protein change: p.Val759Met; replaces valine 759 with methionine.
Molecular consequence: missense variant. On other transcripts: intron variant (2).
Genome position (GRCh38, 1-based): chr2:24,828,059, C>T on the plus strand (G>A on the coding strand, the complement: ADCY3 is on the minus strand). VCF-style: chr2-24828059-C-T. GRCh37 (hg19) VCF-style: chr2-25050928-C-T.
Other names: c.2275G>A, p.Val759Met (NM_001320613.2, NM_001377132.1); c.2341G>A, p.Val781Met (NM_001377128.1); c.1552G>A, p.Val518Met (NM_001377131.1); c.2172+2650G>A (NM_001377130.1); c.2173-36G>A (NM_001377129.1); short protein forms V518M, V759M, V781M.
Identifiers: ClinVar variation 4978269 (VCV004978269.1).

ClinVar aggregate classification (germline): Uncertain significance (1 of 4 stars; one submission).

Conditions:
ADCY3-related disorder. Also called: ADCY3-related condition.

gnomAD v4.1: 24 of 1,614,108 alleles (0.0015%); highest among the groups gnomAD compares: Middle Eastern, 0.016%; no homozygotes.

Submission:

PreventionGenetics, part of Exact Sciences
Classification: Uncertain significance for ADCY3-related condition. Last evaluated: 2025-11-05. Review status: criteria provided, single submitter. Criteria: ACMG Guidelines, 2015. Collection method: clinical testing. Allele origin: germline.
Comment: The ADCY3 c.2275G>A variant is predicted to result in the amino acid substitution p.Val759Met. To our knowledge, this variant has not been reported in the literature. This variant is reported in 0.0035% of alleles in individuals of European (Non-Finnish) descent in gnomAD. At this time, the clinical significance of this variant is uncertain due to the absence of conclusive functional and genetic evidence.